The following is an entry in ClinVar:

NM_005732.4(RAD50):c.601C>G (p.Gln201Glu)

Gene: RAD50 (RAD50 double strand break repair protein; plus strand). Cytogenetic location: 5q31.1.
Variant type: single nucleotide variant.
Coding change: c.601C>G on transcript NM_005732.4 (MANE Select); coding-DNA position 601, C replaced by G.
Protein change: p.Gln201Glu; replaces glutamine 201 with glutamic acid.
Molecular consequence: missense variant.
Genome position (GRCh38, 1-based): chr5:132,579,911, C>G. VCF-style: chr5-132579911-C-G. GRCh37 (hg19) VCF-style: chr5-131915603-C-G.
Other names: short protein forms Q201E.
Identifiers: ClinVar variation 1751110 (VCV001751110.5), dbSNP rs2149837954, ClinGen allele CA360935768.
Genomic context (GRCh38, chr5:132,579,911, plus strand): 5'-TATCTTCAAAGATACATTAAAGCCTTAGAAACACTTCGGCAGGTACGTCAGACACAAGGT[C>G]AGAAAGTAAAAGAATATCAAATGGAACTAAAATATCTGAAGCAATATAAGGAAAAAGCTT-3'
Protein context (NP_005723.2, residues 191-211): TLRQVRQTQG[Gln201Glu]KVKEYQMELK

ClinVar aggregate classification (germline): Uncertain significance. Review status: criteria provided, multiple submitters, no conflicts (2 of 4 stars). 2 submissions from 2 submitters: Uncertain significance (2). Last evaluated 2023-04-28.

Conditions:
Hereditary cancer-predisposing syndrome. Also called: Hereditary Cancer Syndrome; Hereditary neoplastic syndrome; Neoplastic Syndromes, Hereditary; Tumor predisposition. Identifiers: Orphanet 140162, MedGen C0027672, MeSH D009386, MONDO:0015356.

Submissions (2):

Labcorp Genetics (formerly Invitae), Labcorp
Classification: Uncertain significance for Hereditary cancer-predisposing syndrome. Last evaluated: 2023-04-28. Review status: criteria provided, single submitter. Criteria: Invitae Variant Classification Sherloc (09022015). Collection method: clinical testing. Allele origin: germline.
Comment: In summary, the available evidence is currently insufficient to determine the role of this variant in disease. Therefore, it has been classified as a Variant of Uncertain Significance. Advanced modeling of protein sequence and biophysical properties (such as structural, functional, and spatial information, amino acid conservation, physicochemical variation, residue mobility, and thermodynamic stability) performed at Invitae indicates that this missense variant is not expected to disrupt RAD50 protein function. ClinVar contains an entry for this variant (Variation ID: 1751110). This variant has not been reported in the literature in individuals affected with RAD50-related conditions. This variant is not present in population databases (gnomAD no frequency). This sequence change replaces glutamine, which is neutral and polar, with glutamic acid, which is acidic and polar, at codon 201 of the RAD50 protein (p.Gln201Glu).

Ambry Genetics
Classification: Uncertain significance for Hereditary cancer-predisposing syndrome. Last evaluated: 2022-01-16. Review status: criteria provided, single submitter. Criteria: Ambry Variant Classification Scheme 2023. Collection method: clinical testing. Allele origin: germline.
Comment: The p.Q201E variant (also known as c.601C>G), located in coding exon 5 of the RAD50 gene, results from a C to G substitution at nucleotide position 601. The glutamine at codon 201 is replaced by glutamic acid, an amino acid with highly similar properties. This amino acid position is conserved. In addition, this alteration is predicted to be tolerated by in silico analysis. Since supporting evidence is limited at this time, the clinical significance of this alteration remains unclear.